The following is an entry in ClinVar:

NM_001943.5(DSG2):c.1349C>T (p.Ala450Val)

Gene: DSG2 (desmoglein 2; plus strand). Cytogenetic location: 18q12.1.
Variant type: single nucleotide variant.
Coding change: c.1349C>T on transcript NM_001943.5 (MANE Select); coding-DNA position 1349, C replaced by T.
Protein change: p.Ala450Val; replaces alanine 450 with valine.
Molecular consequence: missense variant.
Genome position (GRCh38, 1-based): chr18:31,535,338, C>T. VCF-style: chr18-31535338-C-T. GRCh37 (hg19) VCF-style: chr18-29115301-C-T.
Other names: short protein forms A450V.
Identifiers: ClinVar variation 2100643 (VCV002100643.6), dbSNP rs752646801, ClinGen allele CA042151.

ClinVar aggregate classification (germline): Conflicting classifications of pathogenicity. Review status: criteria provided, conflicting classifications (1 of 4 stars). 3 submissions from 3 submitters: Uncertain significance (2); Likely benign (1). Last evaluated 2026-02-27.

Conditions:
Cardiovascular phenotype. Identifiers: MedGen CN230736.
Arrhythmogenic right ventricular dysplasia 10. Also called: ARRHYTHMOGENIC RIGHT VENTRICULAR DYSPLASIA, FAMILIAL, 10; Arrhythmogenic Right Ventricular Dysplasia/Cardiomyopathy10; Arrhythmogenic right ventricular dysplasia/cardiomyopathy, type 10. Identifiers: MedGen C1857777, MONDO:0012434, OMIM 610193.

Allele frequency attached by ClinVar (database versions not stated): ExAC 0.00001; gnomAD exomes 0.00001.
gnomAD v4.1: 3 of 1,609,088 alleles (0.00019%); highest among the groups gnomAD compares: Non-Finnish European, 0.00026%; no homozygotes.

Submissions (3):

Ambry Genetics
Classification: Likely benign for Cardiovascular phenotype. Last evaluated: 2026-02-27. Review status: criteria provided, single submitter. Criteria: Ambry Variant Classification Scheme 2023. Collection method: clinical testing. Allele origin: germline.

Labcorp Genetics (formerly Invitae), Labcorp
Classification: Uncertain significance for Arrhythmogenic right ventricular dysplasia 10. Last evaluated: 2023-08-18. Review status: criteria provided, single submitter. Criteria: Invitae Variant Classification Sherloc (09022015). Collection method: clinical testing. Allele origin: germline.
Comment: This sequence change replaces alanine, which is neutral and non-polar, with valine, which is neutral and non-polar, at codon 450 of the DSG2 protein (p.Ala450Val). This variant is present in population databases (rs752646801, gnomAD 0.0009%). This variant has not been reported in the literature in individuals affected with DSG2-related conditions. ClinVar contains an entry for this variant (Variation ID: 2100643). Advanced modeling of protein sequence and biophysical properties (such as structural, functional, and spatial information, amino acid conservation, physicochemical variation, residue mobility, and thermodynamic stability) performed at Invitae indicates that this missense variant is not expected to disrupt DSG2 protein function. In summary, the available evidence is currently insufficient to determine the role of this variant in disease. Therefore, it has been classified as a Variant of Uncertain Significance.

Blueprint Genetics
Classification: Uncertain significance. Last evaluated: 2018-03-09. Review status: criteria provided, single submitter. Criteria: ACMG Guidelines, 2015. Collection method: clinical testing. Allele origin: germline.